The following is an entry in ClinVar:

NM_001374736.1(DST):c.2125A>G (p.Met709Val)

Gene: DST (dystonin; minus strand). Cytogenetic location: 6p12.1.
Variant type: single nucleotide variant.
Coding change: c.2125A>G on transcript NM_001374736.1 (MANE Select); coding-DNA position 2125, A replaced by G.
Protein change: p.Met709Val; replaces methionine 709 with valine.
Molecular consequence: missense variant.
Genome position (GRCh38, 1-based): chr6:56,640,508, T>C on the plus strand (A>G on the coding strand, the complement: DST is on the minus strand). VCF-style: chr6-56640508-T-C. GRCh37 (hg19) VCF-style: chr6-56505306-T-C.
Other names: c.2026A>G, p.Met676Val (NM_001144769.5); c.1612A>G, p.Met538Val (NM_001144770.2); c.2125A>G, p.Met709Val (NM_001374722.1); c.1492A>G, p.Met498Val (NM_001374729.1, NM_001374730.1, NM_001386100.1 and 1 more transcripts); c.2152A>G, p.Met718Val (NM_001374734.1); c.514A>G, p.Met172Val (NM_001723.7, NM_015548.5); short protein forms M172V, M676V, M538V, M498V, M709V, M718V.
Identifiers: ClinVar variation 357618 (VCV000357618.27), dbSNP rs142650835, ClinGen allele CA3871474.

ClinVar aggregate classification (germline): Conflicting classifications of pathogenicity. Review status: criteria provided, conflicting classifications (1 of 4 stars). 5 submissions from 5 submitters: Uncertain significance (3); Likely benign (1). 1 of the submissions does not count toward it. Last evaluated 2025-12-27.

Conditions:
DST-related disorder. Also called: DST-related condition; DST-related disorders.
Epidermolysis bullosa simplex 3, localized or generalized intermediate, with BP230 deficiency (EBS3). Also called: Epidermolysis bullosa simplex, autosomal recessive 2; Epidermolysis bullosa simplex due to BP230 deficiency. Identifiers: Orphanet 412181, MedGen C3809470, MONDO:0014180, OMIM 615425.
Hereditary sensory and autonomic neuropathy type 6. Also called: HSAN VI; Neuropathy, hereditary sensory and autonomic, type VI. Identifiers: Orphanet 314381, MedGen C3539003, MONDO:0013839, OMIM 614653.
Inborn genetic diseases. Identifiers: MedGen C0950123, MeSH D030342.

Allele frequency attached by ClinVar (database versions not stated): 1000 Genomes Project 30x 0.00016; 1000 Genomes Project 0.00020; gnomAD 0.00037 and 0.00039; ESP Exome Variant Server 0.00046; TOPMed 0.00048.
gnomAD v4.1: 1,078 of 1,613,620 alleles (0.067%); highest among the groups gnomAD compares: Admixed American, 0.078%; 1 homozygote.

Submissions (5):

Labcorp Genetics (formerly Invitae), Labcorp
Classification: Likely benign for Epidermolysis bullosa simplex 3, localized or generalized intermediate, with BP230 deficiency; Hereditary sensory and autonomic neuropathy type 6. Last evaluated: 2025-12-27. Review status: criteria provided, single submitter. Criteria: Invitae Variant Classification Sherloc (09022015). Collection method: clinical testing. Allele origin: germline.

GeneDx
Classification: Uncertain significance. Last evaluated: 2025-08-26. Review status: criteria provided, single submitter. Criteria: GeneDx Variant Classification Process June 2021. Collection method: clinical testing. Allele origin: germline. Affected: yes.
Comment: In silico analysis supports that this missense variant has a deleterious effect on protein structure/function; Has not been previously published as pathogenic or benign to our knowledge; Reported using the transcript encoding the epithelial isoform of the gene

Ambry Genetics
Classification: Uncertain significance for Inborn genetic diseases. Last evaluated: 2023-11-16. Review status: criteria provided, single submitter. Criteria: Ambry Variant Classification Scheme 2023. Collection method: clinical testing. Allele origin: germline.
Comment: Unlikely to be causative of DST-related sensory and autonomic neuropathy (AR) Based on insufficient or conflicting evidence, the clinical significance of this alteration remains unclear.

Mayo Clinic Laboratories, Mayo Clinic
Classification: Uncertain significance. Last evaluated: 2020-06-04. Review status: criteria provided, single submitter. Criteria: ACMG Guidelines, 2015. Collection method: clinical testing. Allele origin: germline. Observed: 2 variant alleles.

PreventionGenetics, part of Exact Sciences
Classification: Likely benign for DST-related condition. Last evaluated: 2024-04-24. Review status: no assertion criteria provided. Collection method: clinical testing. Allele origin: germline. Not counted in ClinVar's aggregate classification.
Comment: This variant is classified as likely benign based on ACMG/AMP sequence variant interpretation guidelines (Richards et al. 2015 PMID: 25741868, with internal and published modifications).